The following is an entry in ClinVar:

ClinVar aggregate classification (germline): Uncertain significance (1 of 4 stars; one submission).

Conditions:
Multiple sulfatase deficiency (MSD). Also called: Mucosulfatidosis; Multiple Sulfatase Deficiency Disease; Sulfatidosis, Juvenile, Austin Type. Identifiers: Orphanet 585, MedGen C0268263, MONDO:0010088, OMIM 272200.

Allele frequency attached by ClinVar (database versions not stated): gnomAD exomes below 0.00001.
gnomAD v4.1: 1 of 1,614,160 alleles (0.000062%); highest among the groups gnomAD compares: Non-Finnish European, 0.000085%; no homozygotes.

Submission:

Labcorp Genetics (formerly Invitae), Labcorp
Classification: Uncertain significance for Multiple sulfatase deficiency. Last evaluated: 2021-01-27. Review status: criteria provided, single submitter. Criteria: Invitae Variant Classification Sherloc (09022015). Collection method: clinical testing. Allele origin: germline.
Comment: In summary, the available evidence is currently insufficient to determine the role of this variant in disease. Therefore, it has been classified as a Variant of Uncertain Significance. Algorithms developed to predict the effect of missense changes on protein structure and function (SIFT, PolyPhen-2, Align-GVGD) all suggest that this variant is likely to be tolerated, but these predictions have not been confirmed by published functional studies and their clinical significance is uncertain. This variant has not been reported in the literature in individuals with SUMF1-related conditions. This variant is not present in population databases (ExAC no frequency). This sequence change replaces serine with leucine at codon 142 of the SUMF1 protein (p.Ser142Leu). The serine residue is moderately conserved and there is a large physicochemical difference between serine and leucine.

NM_182760.4(SUMF1):c.425C>T (p.Ser142Leu)

Gene: SUMF1 (sulfatase modifying factor 1; minus strand). Cytogenetic location: 3p26.1.
Variant type: single nucleotide variant.
Coding change: c.425C>T on transcript NM_182760.4 (MANE Select); coding-DNA position 425, C replaced by T.
Protein change: p.Ser142Leu; replaces serine 142 with leucine.
Molecular consequence: missense variant.
Genome position (GRCh38, 1-based): chr3:4,452,895, G>A on the plus strand (C>T on the coding strand, the complement: SUMF1 is on the minus strand). VCF-style: chr3-4452895-G-A. GRCh37 (hg19) VCF-style: chr3-4494579-G-A.
Other names: c.425C>T, p.Ser142Leu (NM_001164674.2, NM_001164675.2); short protein forms S142L.
Identifiers: ClinVar variation 1518741 (VCV001518741.8), dbSNP rs2125133568, ClinGen allele CA351793104.